The following is an entry in ClinVar:

ClinVar aggregate classification (germline): Conflicting classifications of pathogenicity. Review status: criteria provided, conflicting classifications (1 of 4 stars). 2 submissions from 2 submitters: Uncertain significance (1); Likely benign (1). Last evaluated 2023-04-10.

Conditions:
Cardiomyopathy (CMYO). Also called: Cardiomyopathies. Identifiers: Orphanet 167848, MedGen C0878544, MONDO:0004994, HP:0001638. Inheritance: Various modes of inheritance.
Hypertrophic cardiomyopathy. Also called: HYPERTROPHIC MYOCARDIOPATHY. Identifiers: Orphanet 217569, MedGen C0007194, MeSH D002312, MONDO:0005045, HP:0001639.

gnomAD v4.1: 2 of 1,594,348 alleles (0.00013%); highest among the groups gnomAD compares: Non-Finnish European, 0.00017%; no homozygotes.

Submissions (2):

Labcorp Genetics (formerly Invitae), Labcorp
Classification: Likely benign for Hypertrophic cardiomyopathy. Last evaluated: 2023-04-10. Review status: criteria provided, single submitter. Criteria: Invitae Variant Classification Sherloc (09022015). Collection method: clinical testing. Allele origin: germline.

Color Diagnostics, LLC DBA Color Health
Classification: Uncertain significance for Cardiomyopathy. Last evaluated: 2021-10-11. Review status: criteria provided, single submitter. Criteria: ACMG Guidelines, 2015. Collection method: clinical testing. Allele origin: germline.
Comment: This variant causes a G to C nucleotide substitution at the -8 position of intron 9 of the MYH7 gene. Splice prediction tools and conservation analysis are inconclusive regarding the impact of this variant on RNA splicing. To our knowledge, functional studies have not been reported for this variant. This variant has not been reported in individuals affected with cardiovascular disorders in the literature. This variant has not been identified in the general population by the Genome Aggregation Database (gnomAD). The available evidence is insufficient to determine the role of this variant in disease conclusively. Therefore, this variant is classified as a Variant of Uncertain Significance.

NM_000257.4(MYH7):c.797-8G>C

Gene: MYH7 (myosin heavy chain 7; minus strand). Cytogenetic location: 14q11.2.
Variant type: single nucleotide variant.
Coding change: c.797-8G>C on transcript NM_000257.4 (MANE Select); 8 bases into the intron before coding-DNA position 797, G replaced by C.
Molecular consequence: intron variant.
Genome position (GRCh38, 1-based): chr14:23,431,007, C>G on the plus strand (G>C on the coding strand, the complement: MYH7 is on the minus strand). VCF-style: chr14-23431007-C-G. GRCh37 (hg19) VCF-style: chr14-23900216-C-G.
Other names: c.797-8G>C (NM_001407004.1).
Identifiers: ClinVar variation 2726726 (VCV002726726.4), dbSNP rs763178268, ClinGen allele CA2624250706.